The following is an entry in ClinVar:

ClinVar aggregate classification (germline): Likely benign. Review status: criteria provided, single submitter (1 of 4 stars). 2 submissions from 2 submitters: Likely benign (1). 1 of the submissions does not count toward it. Last evaluated 2021-08-23.

Conditions:
C2CD3-related disorder. Also called: C2CD3-related condition.

Allele frequency attached by ClinVar (database versions not stated): gnomAD exomes 0.00001 and 0.00003; ExAC 0.00003; gnomAD 0.00003; TOPMed 0.00005; ESP Exome Variant Server 0.00008.
gnomAD v4.1: 14 of 1,613,890 alleles (0.00087%); highest among the groups gnomAD compares: African/African-American, 0.008%; no homozygotes.

Submissions (2):

Labcorp Genetics (formerly Invitae), Labcorp
Classification: Likely benign. Last evaluated: 2021-08-23. Review status: criteria provided, single submitter. Criteria: Invitae Variant Classification Sherloc (09022015). Collection method: clinical testing. Allele origin: germline.

PreventionGenetics, part of Exact Sciences
Classification: Likely benign for C2CD3-related condition. Last evaluated: 2021-08-23. Review status: no assertion criteria provided. Collection method: clinical testing. Allele origin: germline. Not counted in ClinVar's aggregate classification.
Comment: This variant is classified as likely benign based on ACMG/AMP sequence variant interpretation guidelines (Richards et al. 2015 PMID: 25741868, with internal and published modifications).

NM_001286577.2(C2CD3):c.5769G>A (p.Gln1923=)

Genes: C2CD3 (C2 domain containing 3 centriole elongation regulator; minus strand), LOC126861262 (CDK7 strongly-dependent group 2 enhancer GRCh37_chr11:73747696-73748895; plus strand). Cytogenetic location: 11q13.4.
Variant type: single nucleotide variant.
Coding change: c.5769G>A on transcript NM_001286577.2 (MANE Select); coding-DNA position 5769, G replaced by A.
Protein change: p.Gln1923=; no amino-acid change (glutamine 1923 retained).
Molecular consequence: synonymous variant.
Genome position (GRCh38, 1-based): chr11:74,037,590, C>T on the plus strand (G>A on the coding strand, the complement: C2CD3 is on the minus strand). VCF-style: chr11-74037590-C-T. GRCh37 (hg19) VCF-style: chr11-73748635-C-T.
Other names: c.5769G>A, p.Gln1923= (NM_015531.6); c.5769G>A (NM_015531.5).
Identifiers: ClinVar variation 1672570 (VCV001672570.10), dbSNP rs138133596, ClinGen allele CA6181776.